The following is an entry in ClinVar:

NM_000195.5(HPS1):c.609C>T (p.Gly203=)

Gene: HPS1 (HPS1 biogenesis of lysosomal organelles complex 3 subunit 1; minus strand). Cytogenetic location: 10q24.2.
Variant type: single nucleotide variant.
Coding change: c.609C>T on transcript NM_000195.5 (MANE Select); coding-DNA position 609, C replaced by T.
Protein change: p.Gly203=; no amino-acid change (glycine 203 retained).
Molecular consequence: synonymous variant. On other transcripts: 5 prime UTR variant (3), intron variant (5).
Genome position (GRCh38, 1-based): chr10:98,431,190, G>A on the plus strand (C>T on the coding strand, the complement: HPS1 is on the minus strand). VCF-style: chr10-98431190-G-A. GRCh37 (hg19) VCF-style: chr10-100190947-G-A.
Other names: c.-265C>T (NM_001311345.2, NM_001322489.2); c.609C>T, p.Gly203= (NM_001322476.2, NM_001322477.2, NM_001322478.2 and 3 more transcripts); c.240C>T, p.Gly80= (NM_001322483.2, NM_001322484.2, NM_001322485.2); c.-364C>T (NM_001322487.2); c.408-520C>T (NM_001322480.2, NM_001322482.2, NM_001322481.2); c.551-520C>T (NM_001322492.2, NM_001322490.2).
Identifiers: ClinVar variation 2188955 (VCV002188955.2), dbSNP rs771691792, ClinGen allele CA5639351.

ClinVar aggregate classification (germline): Conflicting classifications of pathogenicity. Review status: criteria provided, conflicting classifications (1 of 4 stars). 2 submissions from 2 submitters: Uncertain significance (1); Likely benign (1). Last evaluated 2024-01-22.

Allele frequency attached by ClinVar (database versions not stated): ExAC 0.00001; gnomAD 0.00001; TOPMed 0.00001; gnomAD exomes 0.00003.
gnomAD v4.1: 42 of 1,613,962 alleles (0.0026%); highest among the groups gnomAD compares: East Asian, 0.0045%; no homozygotes.

Submissions (2):

Blueprint Genetics
Classification: Likely benign. Last evaluated: 2024-01-22. Review status: criteria provided, single submitter. Criteria: ACMG Guidelines, 2015. Collection method: clinical testing. Allele origin: germline.

Labcorp Genetics (formerly Invitae), Labcorp
Classification: Uncertain significance. Last evaluated: 2022-03-26. Review status: criteria provided, single submitter. Criteria: Invitae Variant Classification Sherloc (09022015). Collection method: clinical testing. Allele origin: germline.
Comment: This sequence change affects codon 203 of the HPS1 mRNA. It is a 'silent' change, meaning that it does not change the encoded amino acid sequence of the HPS1 protein. This variant is present in population databases (rs771691792, gnomAD 0.003%). This variant has not been reported in the literature in individuals affected with HPS1-related conditions. Algorithms developed to predict the effect of sequence changes on RNA splicing suggest that this variant may create or strengthen a splice site. In summary, the available evidence is currently insufficient to determine the role of this variant in disease. Therefore, it has been classified as a Variant of Uncertain Significance.